The following is an entry in ClinVar:

NM_004946.3(DOCK2):c.3360A>T (p.Gln1120His)

Gene: DOCK2 (dedicator of cytokinesis 2; plus strand). Cytogenetic location: 5q35.1.
Variant type: single nucleotide variant.
Coding change: c.3360A>T on transcript NM_004946.3 (MANE Select); coding-DNA position 3360, A replaced by T.
Protein change: p.Gln1120His; replaces glutamine 1120 with histidine.
Molecular consequence: missense variant. On other transcripts: non-coding transcript variant (1).
Genome position (GRCh38, 1-based): chr5:170,019,087, A>T. VCF-style: chr5-170019087-A-T. GRCh37 (hg19) VCF-style: chr5-169446091-A-T.
Other names: short protein forms Q1120H.
Identifiers: ClinVar variation 1016571 (VCV001016571.6), dbSNP rs984911844, ClinGen allele CA132028423.

ClinVar aggregate classification (germline): Uncertain significance (1 of 4 stars; one submission).

Conditions:
DOCK2 deficiency. Also called: Immunodeficiency 40. Identifiers: Orphanet 447737, MedGen C4225328, MONDO:0014637, OMIM 616433.

Allele frequency attached by ClinVar (database versions not stated): TOPMed 0.00001.
gnomAD v4.1: 6 of 1,614,070 alleles (0.00037%); highest among the groups gnomAD compares: Non-Finnish European, 0.00051%; no homozygotes.

Submission:

Labcorp Genetics (formerly Invitae), Labcorp
Classification: Uncertain significance for DOCK2 deficiency. Last evaluated: 2021-08-31. Review status: criteria provided, single submitter. Criteria: Invitae Variant Classification Sherloc (09022015). Collection method: clinical testing. Allele origin: germline.
Comment: This sequence change replaces glutamine with histidine at codon 1120 of the DOCK2 protein (p.Gln1120His). The glutamine residue is moderately conserved and there is a small physicochemical difference between glutamine and histidine. This variant is not present in population databases (ExAC no frequency). This variant has not been reported in the literature in individuals affected with DOCK2-related conditions. Algorithms developed to predict the effect of missense changes on protein structure and function (SIFT, PolyPhen-2, Align-GVGD) all suggest that this variant is likely to be tolerated. In summary, the available evidence is currently insufficient to determine the role of this variant in disease. Therefore, it has been classified as a Variant of Uncertain Significance.